The following is an entry in ClinVar:

ClinVar aggregate classification (germline): Likely benign (1 of 4 stars; one submission).

gnomAD v4.1: 4 of 1,598,360 alleles (0.00025%); highest among the groups gnomAD compares: Non-Finnish European, 0.00034%; no homozygotes.

Submission:

CeGaT Center for Human Genetics Tuebingen
Classification: Likely benign. Last evaluated: 2025-12-01. Review status: criteria provided, single submitter. Criteria: CeGaT Center For Human Genetics Tuebingen Variant Classification Criteria Version 2. Collection method: clinical testing. Allele origin: germline. Affected: yes. Observed: 2 variant alleles.
Comment: KMT2B: BP4, BP7

NM_014727.3(KMT2B):c.6450A>G (p.Gln2150=)

Gene: KMT2B (lysine methyltransferase 2B; plus strand). Cytogenetic location: 19q13.12.
Variant type: single nucleotide variant.
Coding change: c.6450A>G on transcript NM_014727.3 (MANE Select); coding-DNA position 6450, A replaced by G.
Protein change: p.Gln2150=; no amino-acid change (glutamine 2150 retained).
Molecular consequence: synonymous variant.
Genome position (GRCh38, 1-based): chr19:35,732,999, A>G. VCF-style: chr19-35732999-A-G. GRCh37 (hg19) VCF-style: chr19-36223900-A-G.
Identifiers: ClinVar variation 2649748 (VCV002649748.24), dbSNP rs774658297, ClinGen allele CA9385690.
Genomic context (GRCh38, chr19:35,732,999, plus strand): 5'-CCCTAGAGAGGAGTCACTCCCCCCGGCGCCTCCCCTGGCTAATGGCAGCCAGCCCTCCCA[A>G]GGCCTGACCGCCAGCCCAGCTGACCCCACCCGCACATTTGCCTGGCTCCCAGGGGCCCCA-3'
Protein context (NP_055542.1, residues 2140-2160): PPLANGSQPS[Gln2150=]GLTASPADPT